The following is an entry in ClinVar:

ClinVar aggregate classification (germline): Uncertain significance (1 of 4 stars; one submission).

Conditions:
Developmental and epileptic encephalopathy, 23 (DEE23). Also called: Epileptic encephalopathy, early infantile, 23. Identifiers: Orphanet 411986, MedGen C4014492, MONDO:0014371, OMIM 615859.

Allele frequency attached by ClinVar (database versions not stated): gnomAD 0.00001; gnomAD exomes 0.00002; ExAC 0.00002.
gnomAD v4.1: 27 of 1,614,052 alleles (0.0017%); highest among the groups gnomAD compares: Non-Finnish European, 0.0023%; no homozygotes.

Submission:

Labcorp Genetics (formerly Invitae), Labcorp
Classification: Uncertain significance for Developmental and epileptic encephalopathy, 23. Last evaluated: 2022-08-02. Review status: criteria provided, single submitter. Criteria: Invitae Variant Classification Sherloc (09022015). Collection method: clinical testing. Allele origin: germline.
Comment: This sequence change replaces tyrosine, which is neutral and polar, with aspartic acid, which is acidic and polar, at codon 1364 of the DOCK7 protein (p.Tyr1364Asp). This variant is present in population databases (rs778899564, gnomAD 0.004%). This variant has not been reported in the literature in individuals affected with DOCK7-related conditions. ClinVar contains an entry for this variant (Variation ID: 1424851). Algorithms developed to predict the effect of missense changes on protein structure and function (SIFT, PolyPhen-2, Align-GVGD) all suggest that this variant is likely to be tolerated. In summary, the available evidence is currently insufficient to determine the role of this variant in disease. Therefore, it has been classified as a Variant of Uncertain Significance.

NM_001367561.1(DOCK7):c.4090T>G (p.Tyr1364Asp)

Gene: DOCK7 (dedicator of cytokinesis 7; minus strand). Cytogenetic location: 1p31.3.
Variant type: single nucleotide variant.
Coding change: c.4090T>G on transcript NM_001367561.1 (MANE Select); coding-DNA position 4090, T replaced by G.
Protein change: p.Tyr1364Asp; replaces tyrosine 1364 with aspartic acid.
Molecular consequence: missense variant.
Genome position (GRCh38, 1-based): chr1:62,513,745, A>C on the plus strand (T>G on the coding strand, the complement: DOCK7 is on the minus strand). VCF-style: chr1-62513745-A-C. GRCh37 (hg19) VCF-style: chr1-62979416-A-C.
Other names: c.4090T>G, p.Tyr1364Asp (NM_001271999.2, NM_001330614.2); c.3997T>G, p.Tyr1333Asp (NM_001272000.2, NM_001272001.2, NM_033407.4); short protein forms Y1364D, Y1333D.
Identifiers: ClinVar variation 1424851 (VCV001424851.5), dbSNP rs778899564, ClinGen allele CA885807.